The following is an entry in ClinVar:

ClinVar aggregate classification (germline): Uncertain significance (1 of 4 stars; one submission).

Conditions:
Combined oxidative phosphorylation defect type 27. Also called: Combined oxidative phosphorylation deficiency 27. Identifiers: Orphanet 477774, MedGen C5567608, MONDO:0014728, OMIM 616672.

Submission:

Labcorp Genetics (formerly Invitae), Labcorp
Classification: Uncertain significance for Combined oxidative phosphorylation defect type 27. Last evaluated: 2025-10-22. Review status: criteria provided, single submitter. Criteria: Invitae Variant Classification Sherloc (09022015). Collection method: clinical testing. Allele origin: germline.
Comment: This sequence change affects the initiator codon of the CARS2 mRNA. This change may impact translation initiation or efficiency. The next in-frame methionine is located at codon 114. This variant is not present in population databases (gnomAD no frequency). This variant has not been reported in the literature in individuals affected with CARS2-related conditions. ClinVar contains an entry for this variant (Variation ID: 1417510). Experimental studies and prediction algorithms are not available or were not evaluated, and the functional significance of this variant is currently unknown. In summary, the available evidence is currently insufficient to determine the role of this variant in disease. Therefore, it has been classified as a Variant of Uncertain Significance.

NM_024537.4(CARS2):c.3G>T (p.Met1Ile)

Genes: CARS2 (cysteinyl-tRNA synthetase 2, mitochondrial; minus strand), LOC130010127 (ATAC-STARR-seq lymphoblastoid silent region 5509; plus strand). Cytogenetic location: 13q34.
Variant type: single nucleotide variant.
Coding change: c.3G>T on transcript NM_024537.4 (MANE Select); coding-DNA position 3, G replaced by T.
Protein change: p.Met1Ile; changes the start codon (methionine 1).
Molecular consequence: missense variant, initiator codon variant. On other transcripts: non-coding transcript variant (1), intron variant (1).
Genome position (GRCh38, 1-based): chr13:110,706,091, C>A on the plus strand (G>T on the coding strand, the complement: CARS2 is on the minus strand). VCF-style: chr13-110706091-C-A. GRCh37 (hg19) VCF-style: chr13-111358438-C-A.
Other names: c.3G>T, p.Met1Ile (NM_001352253.3); c.-776+280G>T (NM_001352252.2); short protein forms M1I.
Identifiers: ClinVar variation 1417510 (VCV001417510.8), dbSNP rs2139948769, ClinGen allele CA388743591.